The following is an entry in ClinVar:

ClinVar aggregate classification (germline): Pathogenic/Likely pathogenic. Review status: criteria provided, multiple submitters, no conflicts (2 of 4 stars). 6 submissions from 6 submitters: Pathogenic (4); Likely pathogenic (1). 1 of the submissions does not count toward it. Last evaluated 2025-11-25.

Conditions:
Dilated cardiomyopathy 1G (CMD1G). Identifiers: Orphanet 154, MedGen C1858763, MONDO:0011400, OMIM 604145.
Autosomal recessive limb-girdle muscular dystrophy type 2J (LGMDR10). Also called: Limb-girdle muscular dystrophy, type 2J; MUSCULAR DYSTROPHY, LIMB-GIRDLE, AUTOSOMAL RECESSIVE 10. Identifiers: Orphanet 140922, MedGen C1837342, MONDO:0012127, OMIM 608807.
Cardiovascular phenotype. Identifiers: MedGen CN230736.
Primary dilated cardiomyopathy (DCM). Also called: Dilated Cardiomyopathy. Identifiers: Orphanet 217604, MedGen C0007193, MeSH D002311, MONDO:0005021, HP:0001644. Inheritance: Various modes of inheritance.

Submissions (6):

Ambry Genetics
Classification: Pathogenic for Cardiovascular phenotype. Last evaluated: 2025-11-25. Review status: criteria provided, single submitter. Criteria: Ambry Variant Classification Scheme 2023. Collection method: clinical testing. Allele origin: germline.
Comment: The c.67149_67152delAGAA pathogenic mutation, located in coding exon 167 of the TTN gene, results from a deletion of 4 nucleotides at nucleotide positions 67149 to 67152, causing a translational frameshift with a predicted alternate stop codon (p.K22383Nfs*8). This exon is located in the A-band region of the N2-B isoform of the titin protein and is constitutively expressed in TTN transcripts (percent spliced in or PSI 100%). This variant (also referred to as NM_001267550 c.94344_94347del, p.K31448Nfs*8) was identified in one or more individuals with features consistent with TTN-related dilated cardiomyopathy and segregated with disease in at least one family (Norton N et al. Circ Cardiovasc Genet, 2013 Apr;6:144-53, Gigli M et al. J Am Coll Cardiol, 2019 Sep;74:1480-1490). This variant is considered to be rare based on population cohorts in the Genome Aggregation Database (gnomAD). This alteration is expected to result in loss of function by premature protein truncation or nonsense-mediated mRNA decay. While truncating variants in TTN are present in 1-3% of the general population, truncating variants in the A-band are the most common cause of dilated cardiomyopathy (Herman DS et al. N. Engl. J. Med., 2012 Feb;366:619-28; Roberts AM et al. Sci Transl Med, 2015 Jan;7:270ra6). TTN truncating variants encoded in constitutive exons (PSI >90%) have been found to be significantly associated with DCM regardless of their position in titin (Schafer S et al. Nat. Genet., 2017 01;49:46-53; Akhtar MM et al. Circ Heart Fail, 2020 Oct;13:e006832; Massier M et al. Clin Genet, 2025 Jan). Based on the supporting evidence, this variant is interpreted as a disease-causing mutation.

GeneDx
Classification: Pathogenic. Last evaluated: 2025-05-19. Review status: criteria provided, single submitter. Criteria: GeneDx Variant Classification Process June 2021. Collection method: clinical testing. Allele origin: germline. Affected: yes.
Comment: Frameshift variant predicted to result in protein truncation or nonsense mediated decay in a gene for which loss of function is a known mechanism of disease; Not observed at significant frequency in large population cohorts (gnomAD); This variant is associated with the following publications: (PMID: 31514951, 31737537, 35276540, 36396199, 22335739, 32778822, 23418287)

Labcorp Genetics (formerly Invitae), Labcorp
Classification: Pathogenic for Dilated cardiomyopathy 1G; Autosomal recessive limb-girdle muscular dystrophy type 2J. Last evaluated: 2025-04-26. Review status: criteria provided, single submitter. Criteria: Invitae Variant Classification Sherloc (09022015). Collection method: clinical testing. Allele origin: germline.
Comment: This sequence change creates a premature translational stop signal (p.Lys31448Asnfs*8) in the TTN gene. While this is not anticipated to result in nonsense mediated decay, it is expected to create a truncated TTN protein. This variant is not present in population databases (gnomAD no frequency). This premature translational stop signal has been observed in individual(s) with dilated cardiomyopathy (PMID: 23418287, 31514951, 31737537). It has also been observed to segregate with disease in related individuals. This variant is also known as Lys28880AsnfsX8. ClinVar contains an entry for this variant (Variation ID: 165719). This variant is located in the A band of TTN (PMID: 25589632). Truncating variants in this region are significantly overrepresented in patients affected with dilated cardiomyopathy (PMID: 25589632). Truncating variants in this region have also been reported in individuals affected with autosomal recessive centronuclear myopathy (PMID: 23975875). For these reasons, this variant has been classified as Pathogenic.

AiLife Diagnostics
Classification: Pathogenic. Last evaluated: 2021-09-20. Review status: criteria provided, single submitter. Criteria: ACMG Guidelines, 2015. Collection method: clinical testing. Allele origin: germline. Affected: yes. Observed: 1 variant allele.

Laboratory for Molecular Medicine, Mass General Brigham Personalized Medicine
Classification: Likely pathogenic for Primary dilated cardiomyopathy. Last evaluated: 2017-05-16. Review status: criteria provided, single submitter. Criteria: LMM Criteria. Collection method: clinical testing. Allele origin: germline. Inheritance: Autosomal dominant inheritance. Observed: 2 variant alleles.
Comment: The p.Lys28880fs variant in TTN has been previously reported in 1 individual wit h DCM and segregated with disease in 3 affected relatives (Norton 2013). The variant has not been ident ified in large population studies. It is predicted to cause a frameshift, which alters the protein?s amino acid sequence beginning at position 28880 and leads t o a premature termination codon 8 amino acids downstream. This alteration is the n predicted to lead to a truncated or absent protein. Frameshift and other trunc ating variants in TTN are strongly associated with DCM, particularly if they are located in the exons encoding for the A-band region of the protein (Herman 2012 , Pugh 2014), where this variant is located. In summary, although additional stu dies are required to fully establish its clinical significance, the p.Lys28880fs variant is likely pathogenic for autosomal dominant DCM based on the segregatio n evidence and its predicted impact to the protein.

Cardiogenetics and Myogenetics Molecular and Cellular Functional Unit, Aphp Sorbonne University-Hopital Pitie Salpetriere
Classification: Likely pathogenic for Dilated cardiomyopathy 1G. Last evaluated: 2024-01-06. Review status: no assertion criteria provided. Collection method: clinical testing. Allele origin: germline. Affected: yes. Not counted in ClinVar's aggregate classification.

Literature cited by the submitters: PubMed 23418287 (cited by 4 submitters); PubMed 31514951 (cited by 3 submitters); PubMed 31737537 (cited by Labcorp Genetics (formerly Invitae), Labcorp and AiLife Diagnostics); PubMed 25589632 (cited by Labcorp Genetics (formerly Invitae), Labcorp); PubMed 23975875 (cited by Labcorp Genetics (formerly Invitae), Labcorp).

NM_001267550.2(TTN):c.94344_94347del (p.Lys31448fs)

Genes: TTN (titin; minus strand), TTN-AS1 (TTN antisense RNA 1; plus strand). Cytogenetic location: 2q31.2.
Variant type: Microsatellite.
Coding change: c.94344_94347del on transcript NM_001267550.2 (MANE Select); coding-DNA positions 94344 to 94347, 4 bases deleted (AGAA; older notation c.94344_94347delAGAA).
Protein change: p.Lys31448fs; shifts the reading frame from lysine 31448.
Molecular consequence: frameshift variant.
Genome position (GRCh38, 1-based): chr2:178,547,178-178,547,181, TTCT deleted on the plus strand (AGAA on the coding strand, the reverse complement: TTN is on the minus strand); deleting any 4 consecutive bases within chr2:178,547,178-178,547,186 gives the same sequence; the c. name uses the placement nearest the transcript's 3' end. VCF-style (leftmost placement, unchanged base first): chr2-178547177-GTTCT-G. GRCh37 (hg19) VCF-style: chr2-179411904-GTTCT-G.
Other names: c.86640_86643delAGAA (NM_133378.4); c.67149_67152delAGAA (NM_003319.4); c.89421_89424del, p.Lys29807fs (NM_001256850.1); c.67149_67152del, p.Lys22383fs (NM_003319.4); c.86640_86643del, p.Lys28880fs (NM_133378.4); c.67524_67527del, p.Lys22508fs (NM_133432.3); c.67725_67728del, p.Lys22575fs (NM_133437.4); c.89421_89424delAGAA (NM_001256850.1); short protein forms K22383fs, K22508fs, K22575fs, K31448fs, K28880fs, K29807fs.
Identifiers: ClinVar variation 165719 (VCV000165719.16), dbSNP rs727503546, ClinGen allele CA273249.